The following is an entry in ClinVar:

NM_015158.5(KANK1):c.3815T>C (p.Met1272Thr)

Gene: KANK1 (KN motif and ankyrin repeat domains 1; plus strand). Cytogenetic location: 9p24.3.
Variant type: single nucleotide variant.
Coding change: c.3815T>C on transcript NM_015158.5 (MANE Select); coding-DNA position 3815, T replaced by C.
Protein change: p.Met1272Thr; replaces methionine 1272 with threonine.
Molecular consequence: missense variant. On other transcripts: non-coding transcript variant (1).
Genome position (GRCh38, 1-based): chr9:742,323, T>C. VCF-style: chr9-742323-T-C. GRCh37 (hg19) VCF-style: chr9-742323-T-C.
Other names: c.3815T>C, p.Met1272Thr (NM_001256876.3, NM_001256877.3, NM_001354334.2); c.3575T>C, p.Met1192Thr (NM_001354331.2); c.3761T>C, p.Met1254Thr (NM_001354332.2); c.3341T>C, p.Met1114Thr (NM_001354333.2, NM_001354335.2, NM_001354337.2 and 2 more transcripts); c.3047T>C, p.Met1016Thr (NM_001354336.2); c.3287T>C, p.Met1096Thr (NM_001354338.2, NM_001354340.2, NM_001354344.2); c.3101T>C, p.Met1034Thr (NM_001354339.2, NM_001354342.2, NM_001354343.2); short protein forms M1096T, M1114T, M1254T, M1272T, M1016T, M1034T, M1192T.
Identifiers: ClinVar variation 1410669 (VCV001410669.8), dbSNP rs2132278291, ClinGen allele CA372762608.

ClinVar aggregate classification (germline): Uncertain significance (1 of 4 stars; one submission).

Submission:

Labcorp Genetics (formerly Invitae), Labcorp
Classification: Uncertain significance. Last evaluated: 2022-02-10. Review status: criteria provided, single submitter. Criteria: Invitae Variant Classification Sherloc (09022015). Collection method: clinical testing. Allele origin: germline.
Comment: In summary, the available evidence is currently insufficient to determine the role of this variant in disease. Therefore, it has been classified as a Variant of Uncertain Significance. This sequence change replaces methionine, which is neutral and non-polar, with threonine, which is neutral and polar, at codon 1272 of the KANK1 protein (p.Met1272Thr). This variant is not present in population databases (gnomAD no frequency). This variant has not been reported in the literature in individuals affected with KANK1-related conditions. Algorithms developed to predict the effect of missense changes on protein structure and function (SIFT, PolyPhen-2, Align-GVGD) all suggest that this variant is likely to be disruptive.